The following is an entry in ClinVar:

ClinVar aggregate classification (germline): Likely pathogenic (1 of 4 stars; one submission).

Conditions:
Infantile liver failure syndrome 2 (ILFS2). Identifiers: MedGen C3809651, MONDO:0014659, OMIM 616483.
Short stature-optic atrophy-Pelger-Huët anomaly syndrome. Also called: Short stature-optic atrophy-Pelger-HuC+t anomaly syndrome; Short stature, optic nerve atrophy, and Pelger-Huet anomaly. Identifiers: Orphanet 391677, MedGen C3541319, MONDO:0013889, OMIM 614800.

Submission:

Juno Genomics, Hangzhou Juno Genomics, Inc
Classification: Likely pathogenic for Infantile liver failure syndrome 2; Short stature-optic atrophy-Pelger-Huët anomaly syndrome. Review status: criteria provided, single submitter. Criteria: ACMG Guidelines, 2015. Collection method: clinical testing. Allele origin: germline.
Comment: Null variant in a gene where loss of function (LOF) is a known mechanism of disease.;Absent from controls (or at extremely low frequency if recessive) in Genome Aggregation Database.

NM_015909.4(NBAS):c.5465dup (p.Asn1822fs)

Gene: NBAS (NBAS subunit of NRZ tethering complex; minus strand). Cytogenetic location: 2p24.3.
Variant type: Duplication.
Coding change: c.5465dup on transcript NM_015909.4 (MANE Select); coding-DNA position 5465, one base duplicated (A; older notation c.5465dupA).
Protein change: p.Asn1822fs; shifts the reading frame from asparagine 1822.
Molecular consequence: frameshift variant. On other transcripts: non-coding transcript variant (1).
Genome position (GRCh38, 1-based): chr2:15,275,743, T duplicated on the plus strand (A on the coding strand, the reverse complement: NBAS is on the minus strand); the first of 4 consecutive T bases (chr2:15,275,743-15,275,746); duplicating any one gives the same sequence. VCF-style (leftmost placement, unchanged base first): chr2-15275742-A-AT. GRCh37 (hg19) VCF-style: chr2-15415866-A-AT.
Other names: short protein forms N1822fs.
Identifiers: ClinVar variation 5006101 (VCV005006101.2).
Genomic context (GRCh38, chr2:15,275,742, plus strand): 5'-GGAAAGCATCTGTCCATCCTTTTCAGGGATTTTGGGAACAAGTTTGGAAATAGACAAGAT[A>AT]TTTTGACTTGAAAGAACTGGCTCCAATGCTTCAAGAGGACTCATGTTTTCATCTGTCAGC-3'